The following is an entry in ClinVar:

NM_004747.4(DLG5):c.3518C>T (p.Pro1173Leu)

Gene: DLG5 (discs large MAGUK scaffold protein 5; minus strand). Cytogenetic location: 10q22.3.
Variant type: single nucleotide variant.
Coding change: c.3518C>T on transcript NM_004747.4 (MANE Select); coding-DNA position 3518, C replaced by T.
Protein change: p.Pro1173Leu; replaces proline 1173 with leucine.
Molecular consequence: missense variant.
Genome position (GRCh38, 1-based): chr10:77,819,903, G>A on the plus strand (C>T on the coding strand, the complement: DLG5 is on the minus strand). VCF-style: chr10-77819903-G-A. GRCh37 (hg19) VCF-style: chr10-79579661-G-A.
Other names: short protein forms P1173L.
Identifiers: ClinVar variation 5035359 (VCV005035359.1).

ClinVar aggregate classification (germline): Uncertain significance (1 of 4 stars; one submission).

gnomAD v4.1: 15 of 1,569,506 alleles (0.00096%); highest among the groups gnomAD compares: Admixed American, 0.013%; no homozygotes.

Submission:

Ambry Genetics
Classification: Uncertain significance. Last evaluated: 2026-06-17. Review status: criteria provided, single submitter. Criteria: Ambry Variant Classification Scheme 2023. Collection method: clinical testing. Allele origin: germline.
Comment: The c.3518C>T (p.P1173L) alteration is located in exon 16 (coding exon 16) of the DLG5 gene. This alteration results from a C to T substitution at nucleotide position 3518, causing the proline (P) at amino acid position 1173 to be replaced by a leucine (L). Based on data from gnomAD, the T allele has an overall frequency of 0.002% (5/213206) total alleles studied. The highest observed frequency was 0.017% (5/29278) of Latino alleles. Based on insufficient or conflicting evidence, the clinical significance of this alteration remains unclear.